The following is an entry in ClinVar:

ClinVar aggregate classification (germline): Uncertain significance (1 of 4 stars; one submission).

Conditions:
Catecholaminergic polymorphic ventricular tachycardia 1. Also called: RYR2-Related Catecholaminergic Polymorphic Ventricular Tachycardia; VENTRICULAR TACHYCARDIA, CATECHOLAMINERGIC POLYMORPHIC, 1, WITH OR WITHOUT ATRIAL DYSFUNCTION AND/OR DILATED CARDIOMYOPATHY; VENTRICULAR TACHYCARDIA, STRESS-INDUCED POLYMORPHIC 1. Identifiers: Orphanet 3286, MedGen C1631597, MONDO:0011484, OMIM 604772.

gnomAD v4.1: 1 of 1,609,622 alleles (0.000062%); no homozygotes.

Submission:

Labcorp Genetics (formerly Invitae), Labcorp
Classification: Uncertain significance for Catecholaminergic polymorphic ventricular tachycardia 1. Last evaluated: 2021-10-03. Review status: criteria provided, single submitter. Criteria: Invitae Variant Classification Sherloc (09022015). Collection method: clinical testing. Allele origin: germline.
Comment: This sequence change replaces aspartic acid with asparagine at codon 2002 of the RYR2 protein (p.Asp2002Asn). The aspartic acid residue is highly conserved and there is a small physicochemical difference between aspartic acid and asparagine. This variant is not present in population databases (ExAC no frequency). This variant has not been reported in the literature in individuals affected with RYR2-related conditions. Advanced modeling of protein sequence and biophysical properties (such as structural, functional, and spatial information, amino acid conservation, physicochemical variation, residue mobility, and thermodynamic stability) performed at Invitae indicates that this missense variant is not expected to disrupt RYR2 protein function. In summary, the available evidence is currently insufficient to determine the role of this variant in disease. Therefore, it has been classified as a Variant of Uncertain Significance.

NM_001035.3(RYR2):c.6004G>A (p.Asp2002Asn)

Gene: RYR2 (ryanodine receptor 2; plus strand). Cytogenetic location: 1q43.
Variant type: single nucleotide variant.
Coding change: c.6004G>A on transcript NM_001035.3 (MANE Select); coding-DNA position 6004, G replaced by A.
Protein change: p.Asp2002Asn; replaces aspartic acid 2002 with asparagine.
Molecular consequence: missense variant.
Genome position (GRCh38, 1-based): chr1:237,623,852, G>A. VCF-style: chr1-237623852-G-A. GRCh37 (hg19) VCF-style: chr1-237787152-G-A.
Other names: short protein forms D2002N.
Identifiers: ClinVar variation 1384249 (VCV001384249.7), dbSNP rs2148649453, ClinGen allele CA345408331.